The following is an entry in ClinVar:

NM_001039213.4(CEACAM16):c.874A>G (p.Thr292Ala)

Genes: CEACAM16 (CEA cell adhesion molecule 16, tectorial membrane component; plus strand), CEACAM16-AS1 (CEACAM16, CEACAM19 and PVR antisense RNA 1; minus strand). Cytogenetic location: 19q13.32.
Variant type: single nucleotide variant.
Coding change: c.874A>G on transcript NM_001039213.4 (MANE Select); coding-DNA position 874, A replaced by G.
Protein change: p.Thr292Ala; replaces threonine 292 with alanine.
Molecular consequence: missense variant.
Genome position (GRCh38, 1-based): chr19:44,705,802, A>G. VCF-style: chr19-44705802-A-G. GRCh37 (hg19) VCF-style: chr19-45209072-A-G.
Other names: short protein forms T292A.
Identifiers: ClinVar variation 4536350 (VCV004536350.2).

ClinVar aggregate classification (germline): Uncertain significance. Review status: criteria provided, multiple submitters, no conflicts (2 of 4 stars). 2 submissions from 2 submitters: Uncertain significance (2). Last evaluated 2025-06-06.

gnomAD v4.1: 6 of 1,614,010 alleles (0.00037%); highest among the groups gnomAD compares: Admixed American, 0.0067%; no homozygotes.

Submissions (2):

GeneDx
Classification: Uncertain significance. Last evaluated: 2025-06-06. Review status: criteria provided, single submitter. Criteria: GeneDx Variant Classification Process June 2021. Collection method: clinical testing. Allele origin: germline. Affected: yes.
Comment: In silico analysis suggests that this missense variant does not alter protein structure/function; Has not been previously published as pathogenic or benign to our knowledge

Blueprint Genetics
Classification: Uncertain significance. Last evaluated: 2020-12-02. Review status: criteria provided, single submitter. Criteria: ACMG Guidelines, 2015. Collection method: clinical testing. Allele origin: germline.